The following is an entry in ClinVar:

NM_001040716.2(PC):c.2359dup (p.Ala787fs)

Gene: PC (pyruvate carboxylase; minus strand). Cytogenetic location: 11q13.2.
Variant type: Duplication.
Coding change: c.2359dup on transcript NM_001040716.2 (MANE Select); coding-DNA position 2359, one base duplicated (G; older notation c.2359dupG).
Protein change: p.Ala787fs; shifts the reading frame from alanine 787.
Molecular consequence: frameshift variant.
Genome position (GRCh38, 1-based): chr11:66,850,788, C duplicated on the plus strand (G on the coding strand, the reverse complement: PC is on the minus strand). VCF-style (leftmost placement, unchanged base first): chr11-66850787-G-GC. GRCh37 (hg19) VCF-style: chr11-66618258-G-GC.
Other names: c.2359dup, p.Ala787fs (NM_000920.4, NM_022172.3); short protein forms A787fs.
Identifiers: ClinVar variation 1725910 (VCV001725910.2), dbSNP rs2495440377, ClinGen allele CA2580084583.

ClinVar aggregate classification (germline): Likely pathogenic (1 of 4 stars; one submission).

Conditions:
Pyruvate carboxylase deficiency. Also called: ATAXIA WITH LACTIC ACIDOSIS II; LEIGH NECROTIZING ENCEPHALOPATHY DUE TO PYRUVATE CARBOXYLASE DEFICIENCY; LEIGH SYNDROME DUE TO PYRUVATE CARBOXYLASE DEFICIENCY; PC DEFICIENCY; Pyruvate Carboxylase Deficiency Disease. Identifiers: Orphanet 3008, MedGen C0034341, MONDO:0009949, OMIM 266150.

Submission:

Myriad Genetics, Inc.
Classification: Likely pathogenic for Pyruvate carboxylase deficiency. Last evaluated: 2022-04-13. Review status: criteria provided, single submitter. Criteria: Myriad Women's Health Autosomal Recessive and X-Linked Classification Criteria (2021). Collection method: clinical testing. Allele origin: unknown.
Comment: NM_000920.3(PC):c.2359dupG(A787Gfs*6) is expected to be pathogenic in the context of pyruvate carboxylase deficiency. This variant is predicted to lead to an abnormal or absent protein product due to the creation of a premature termination codon in PC, a gene where loss-of-function variants are known to be pathogenic. Please note: this variant was assessed in the context of healthy population screening.